The following is an entry in ClinVar:

NM_000784.4(CYP27A1):c.1263+2T>C

Gene: CYP27A1 (cytochrome P450 family 27 subfamily A member 1; plus strand). Cytogenetic location: 2q35.
Variant type: single nucleotide variant.
Coding change: c.1263+2T>C on transcript NM_000784.4 (MANE Select); the canonical splice donor site of the intron after coding-DNA position 1263, T replaced by C.
Molecular consequence: splice donor variant.
Genome position (GRCh38, 1-based): chr2:218,814,460, T>C. VCF-style: chr2-218814460-T-C. GRCh37 (hg19) VCF-style: chr2-219679183-T-C.
Identifiers: ClinVar variation 555733 (VCV000555733.8), dbSNP rs777935791, ClinGen allele CA2112841.

ClinVar aggregate classification (germline): Pathogenic. Review status: criteria provided, single submitter (1 of 4 stars). 2 submissions from 2 submitters: Pathogenic (1). 1 of the submissions does not count toward it. Last evaluated 2022-06-13.

Conditions:
Cholestanol storage disease (CTX). Also called: Cerebrotendinous Xanthomatosis; CEREBRAL CHOLESTERINOSIS; CTX: Cerebrotendinous xanthomatosis. Identifiers: Orphanet 909, MedGen C0238052, MONDO:0008948, OMIM 213700.

Allele frequency attached by ClinVar (database versions not stated): gnomAD exomes below 0.00001 and 0.00001; ExAC 0.00002.
gnomAD v4.1: 3 of 1,614,134 alleles (0.00019%); highest among the groups gnomAD compares: South Asian, 0.0033%; no homozygotes.

Submissions (2):

Labcorp Genetics (formerly Invitae), Labcorp
Classification: Pathogenic for Cholestanol storage disease. Last evaluated: 2022-06-13. Review status: criteria provided, single submitter. Criteria: Invitae Variant Classification Sherloc (09022015). Collection method: clinical testing. Allele origin: germline.
Comment: ClinVar contains an entry for this variant (Variation ID: 555733). Disruption of this splice site has been observed in individuals with cerebrotendinous xanthomatosis (PMID: 8827518, 26622071). It has also been observed to segregate with disease in related individuals. This variant is present in population databases (rs777935791, gnomAD 0.006%). This sequence change affects a donor splice site in intron 7 of the CYP27A1 gene. It is expected to disrupt RNA splicing. Variants that disrupt the donor or acceptor splice site typically lead to a loss of protein function (PMID: 16199547), and loss-of-function variants in CYP27A1 are known to be pathogenic (PMID: 9392430, 10775536, 26937392). Algorithms developed to predict the effect of sequence changes on RNA splicing suggest that this variant may disrupt the consensus splice site. For these reasons, this variant has been classified as Pathogenic.

Counsyl
Classification: Likely pathogenic for Cholestanol storage disease. Last evaluated: 2017-12-28. Review status: no assertion criteria provided. Collection method: clinical testing. Allele origin: unknown. Not counted in ClinVar's aggregate classification.

Literature cited by the submitters: PubMed 8827518 (cited by Labcorp Genetics (formerly Invitae), Labcorp); PubMed 26622071 (cited by Labcorp Genetics (formerly Invitae), Labcorp); PubMed 16199547 (cited by Labcorp Genetics (formerly Invitae), Labcorp); PubMed 9392430 (cited by Labcorp Genetics (formerly Invitae), Labcorp); PubMed 10775536 (cited by Labcorp Genetics (formerly Invitae), Labcorp); PubMed 26937392 (cited by Labcorp Genetics (formerly Invitae), Labcorp).